The following is an entry in ClinVar:

NM_003265.3(TLR3):c.245T>C (p.Val82Ala)

Gene: TLR3 (toll like receptor 3; plus strand). Cytogenetic location: 4q35.1.
Variant type: single nucleotide variant.
Coding change: c.245T>C on transcript NM_003265.3 (MANE Select); coding-DNA position 245, T replaced by C.
Protein change: p.Val82Ala; replaces valine 82 with alanine.
Molecular consequence: missense variant.
Genome position (GRCh38, 1-based): chr4:186,076,864, T>C. VCF-style: chr4-186076864-T-C. GRCh37 (hg19) VCF-style: chr4-186998018-T-C.
Other names: short protein forms V82A.
Identifiers: ClinVar variation 3690073 (VCV003690073.2).

ClinVar aggregate classification (germline): Uncertain significance (1 of 4 stars; one submission).

Conditions:
Encephalopathy, acute, infection-induced (herpes-specific), susceptibility to, 1. Also called: Herpes simplex encephalitis, susceptibility to, 1. Identifiers: Orphanet 1930, MedGen C2750180, MONDO:0024563, OMIM 610551.

Submission:

Labcorp Genetics (formerly Invitae), Labcorp
Classification: Uncertain significance for Encephalopathy, acute, infection-induced (herpes-specific), susceptibility to, 1. Last evaluated: 2025-06-12. Review status: criteria provided, single submitter. Criteria: Invitae Variant Classification Sherloc (09022015). Collection method: clinical testing. Allele origin: germline.
Comment: This sequence change replaces valine, which is neutral and non-polar, with alanine, which is neutral and non-polar, at codon 82 of the TLR3 protein (p.Val82Ala). This variant is present in population databases (rs557548506, gnomAD 0.007%). This variant has not been reported in the literature in individuals affected with TLR3-related conditions. ClinVar contains an entry for this variant (Variation ID: 3690073). An algorithm developed to predict the effect of missense changes on protein structure and function outputs the following: PolyPhen-2: "Benign". The alanine amino acid residue is found in multiple mammalian species, which suggests that this missense change does not adversely affect protein function. In summary, the available evidence is currently insufficient to determine the role of this variant in disease. Therefore, it has been classified as a Variant of Uncertain Significance.